The following is an entry in ClinVar:

ClinVar aggregate classification (germline): Uncertain significance. Review status: criteria provided, multiple submitters, no conflicts (2 of 4 stars). 5 submissions from 5 submitters: Uncertain significance (5). Last evaluated 2025-05-05.

Conditions:
Inborn genetic diseases. Identifiers: MedGen C0950123, MeSH D030342.
PGM1-congenital disorder of glycosylation. Also called: Congenital disorder of glycosylation type 1t; PGM1 DEFICIENCY; GLYCOGEN STORAGE DISEASE XIV; PHOSPHOGLUCOMUTASE 1 DEFICIENCY; CDG It; GSD XIV. Identifiers: Orphanet 319646, MedGen C2752015, MONDO:0013968, OMIM 614921.

Allele frequency attached by ClinVar (database versions not stated): gnomAD exomes 0.00003 and 0.00010; TOPMed 0.00020; gnomAD 0.00024 and 0.00025.
gnomAD v4.1: 70 of 1,584,602 alleles (0.0044%); highest among the groups gnomAD compares: Admixed American, 0.1%; no homozygotes.

Submissions (5):

Labcorp Genetics (formerly Invitae), Labcorp
Classification: Uncertain significance for PGM1-congenital disorder of glycosylation. Last evaluated: 2025-05-05. Review status: criteria provided, single submitter. Criteria: Invitae Variant Classification Sherloc (09022015). Collection method: clinical testing. Allele origin: germline.
Comment: This sequence change replaces alanine, which is neutral and non-polar, with valine, which is neutral and non-polar, at codon 245 of the PGM1 protein (p.Ala245Val). The frequency data for this variant in the population databases is considered unreliable, as metrics indicate poor data quality at this position in the gnomAD database. This variant has not been reported in the literature in individuals affected with PGM1-related conditions. ClinVar contains an entry for this variant (Variation ID: 1302539). An algorithm developed to predict the effect of missense changes on protein structure and function (PolyPhen-2) suggests that this variant is likely to be tolerated. In summary, the available evidence is currently insufficient to determine the role of this variant in disease. Therefore, it has been classified as a Variant of Uncertain Significance.

Ambry Genetics
Classification: Uncertain significance for Inborn genetic diseases. Last evaluated: 2025-04-01. Review status: criteria provided, single submitter. Criteria: Ambry Variant Classification Scheme 2023. Collection method: clinical testing. Allele origin: germline.

Mayo Clinic Laboratories, Mayo Clinic
Classification: Uncertain significance. Last evaluated: 2024-07-17. Review status: criteria provided, single submitter. Criteria: ACMG Guidelines, 2015. Collection method: clinical testing. Allele origin: germline. Observed: 1 variant allele.
Comment: BP4

GeneDx
Classification: Uncertain significance. Last evaluated: 2023-09-21. Review status: criteria provided, single submitter. Criteria: GeneDx Variant Classification Process June 2021. Collection method: clinical testing. Allele origin: germline. Affected: yes.
Comment: In silico analysis supports that this missense variant does not alter protein structure/function; Has not been previously published as pathogenic or benign to our knowledge

Genetic Services Laboratory, University of Chicago
Classification: Uncertain significance. Last evaluated: 2021-12-15. Review status: criteria provided, single submitter. Criteria: ACMG Guidelines, 2015. Collection method: clinical testing. Allele origin: germline. Affected: no.
Comment: DNA sequence analysis of the PGM1 gene demonstrated a sequence change, c.734C>T, in exon 5 that results in an amino acid change, p.Ala245Val. This sequence change has been described in the gnomAD database with a frequency of 0.07% in the Latino/Admixed American subpopulation (dbSNP rs929270819). The p.Ala245Val change affects a highly conserved amino acid residue located in a domain of the PGM1 protein that is known to be functional. The p.Ala245Val substitution appears to be benign using several in-silico pathogenicity prediction tools (SIFT, PolyPhen2, Align GVGD, REVEL). This sequence change does not appear to have been previously described in individuals with PGM1-related disorders. Due to insufficient evidences and the lack of functional studies, the clinical significance of the p.Ala245Val change remains unknown at this time.

NM_002633.3(PGM1):c.734C>T (p.Ala245Val)

Gene: PGM1 (phosphoglucomutase 1; plus strand). Cytogenetic location: 1p31.3.
Variant type: single nucleotide variant.
Coding change: c.734C>T on transcript NM_002633.3 (MANE Select); coding-DNA position 734, C replaced by T.
Protein change: p.Ala245Val; replaces alanine 245 with valine.
Molecular consequence: missense variant.
Genome position (GRCh38, 1-based): chr1:63,634,880, C>T. VCF-style: chr1-63634880-C-T. GRCh37 (hg19) VCF-style: chr1-64100551-C-T.
Other names: p.Ala245Val; c.788C>T, p.Ala263Val (NM_001172818.1); c.143C>T, p.Ala48Val (NM_001172819.2); short protein forms A245V, A263V, A48V.
Identifiers: ClinVar variation 1302539 (VCV001302539.15), dbSNP rs929270819, ClinGen allele CA23837194.